The following is an entry in ClinVar:

ClinVar aggregate classification (germline): Uncertain significance (1 of 4 stars; one submission).

Submission:

Labcorp Genetics (formerly Invitae), Labcorp
Classification: Uncertain significance. Last evaluated: 2022-03-10. Review status: criteria provided, single submitter. Criteria: Invitae Variant Classification Sherloc (09022015). Collection method: clinical testing. Allele origin: germline.
Comment: In summary, the available evidence is currently insufficient to determine the role of this variant in disease. Therefore, it has been classified as a Variant of Uncertain Significance. Variants that disrupt the consensus splice site are a relatively common cause of aberrant splicing (PMID: 17576681, 9536098). Algorithms developed to predict the effect of sequence changes on RNA splicing suggest that this variant may disrupt the consensus splice site. This variant has not been reported in the literature in individuals affected with MPDZ-related conditions. This variant is not present in population databases (gnomAD no frequency). This sequence change falls in intron 44 of the MPDZ gene. It does not directly change the encoded amino acid sequence of the MPDZ protein. It affects a nucleotide within the consensus splice site.

Literature cited by the submitters: PubMed 17576681; PubMed 9536098.

NM_001378778.1(MPDZ):c.5942+3G>C

Gene: MPDZ (multiple PDZ domain crumbs cell polarity complex component; minus strand). Cytogenetic location: 9p23.
Variant type: single nucleotide variant.
Coding change: c.5942+3G>C on transcript NM_001378778.1 (MANE Select); 3 bases into the intron after coding-DNA position 5942, G replaced by C.
Molecular consequence: intron variant.
Genome position (GRCh38, 1-based): chr9:13,109,949, C>G on the plus strand (G>C on the coding strand, the complement: MPDZ is on the minus strand). VCF-style: chr9-13109949-C-G. GRCh37 (hg19) VCF-style: chr9-13109948-C-G.
Other names: c.5645+3G>C (NM_001375425.1, NM_001375426.1); c.5732+3G>C (NM_001375420.1, NM_001375423.1, NM_001375424.1 and 2 more transcripts); c.5756+3G>C (NM_001375419.1, NM_001261407.2); c.5843+3G>C (NM_001375416.1, NM_001375418.1, NM_001261406.2 and 1 more transcripts); c.5942+3G>C (NM_001330637.2); c.5534+3G>C (NM_001375427.1); c.5855+3G>C (NM_003829.5); c.6041+3G>C (NM_001375413.1).
Identifiers: ClinVar variation 2108318 (VCV002108318.4), dbSNP rs2537654037, ClinGen allele CA2580079213.